The following is an entry in ClinVar:

ClinVar aggregate classification (germline): Uncertain significance (1 of 4 stars; one submission).

Conditions:
Polycystic kidney disease, adult type (PKD1). Also called: Polycystic Kidney, Autosomal Dominant; POLYCYSTIC KIDNEY DISEASE, ADULT, TYPE I; Polycystic Kidney Disease 1, Autosomal Dominant; Polycystic kidney disease 1; Polycystic kidney disease 1, severe; POLYCYSTIC KIDNEY DISEASE 1 WITH OR WITHOUT POLYCYSTIC LIVER DISEASE. Identifiers: MedGen C3149841, MONDO:0008263, OMIM 173900.

Submission:

MVZ Medizinische Genetik Mainz
Classification: Uncertain significance for Polycystic kidney disease, adult type. Last evaluated: 2025-10-14. Review status: criteria provided, single submitter. Criteria: UK Practice Guidelines For Variant Classification V4 01 2020. Collection method: clinical testing. Allele origin: germline. Inheritance: Autosomal dominant inheritance. Affected: yes. Observed: 1 variant allele.
Comment: ACMG Criteria: PM2_SUP,PP4

NM_001009944.3(PKD1):c.6379T>C (p.Ser2127Pro)

Gene: PKD1 (polycystin 1, transient receptor potential channel interacting; minus strand). Cytogenetic location: 16p13.3.
Variant type: single nucleotide variant.
Coding change: c.6379T>C on transcript NM_001009944.3 (MANE Select); coding-DNA position 6379, T replaced by C.
Protein change: p.Ser2127Pro; replaces serine 2127 with proline.
Molecular consequence: missense variant.
Genome position (GRCh38, 1-based): chr16:2,108,788, A>G on the plus strand (T>C on the coding strand, the complement: PKD1 is on the minus strand). VCF-style: chr16-2108788-A-G. GRCh37 (hg19) VCF-style: chr16-2158789-A-G.
Other names: c.6379T>C, p.Ser2127Pro (NM_000296.4); short protein forms S2127P.
Identifiers: ClinVar variation 4526483 (VCV004526483.1).
Genomic context (GRCh38, chr16:2,108,788, plus strand): 5'-GGCAGGCCAGCACCTGGACGGTCACCGTGGCCTGCGCCACGAAGAAGCTCACCAGGTTGG[A>G]GGCGTTCACCTGCACGCGGTAGTCCCCAGGCCTCAGGTAGGAGTGCTCGGCCCTGGGCTC-3'
Protein context (NP_001009944.3, residues 2117-2137): PGDYRVQVNA[Ser2127Pro]NLVSFFVAQA